The following is an entry in ClinVar:

NM_001082538.3(TCTN1):c.1729C>A (p.Pro577Thr)

Gene: TCTN1 (tectonic family member 1; plus strand). Cytogenetic location: 12q24.11.
Variant type: single nucleotide variant.
Coding change: c.1729C>A on transcript NM_001082538.3 (MANE Select); coding-DNA position 1729, C replaced by A.
Protein change: p.Pro577Thr; replaces proline 577 with threonine.
Molecular consequence: missense variant. On other transcripts: non-coding transcript variant (1).
Genome position (GRCh38, 1-based): chr12:110,647,842, C>A. VCF-style: chr12-110647842-C-A. GRCh37 (hg19) VCF-style: chr12-111085647-C-A.
Other names: c.1714C>A, p.Pro572Thr (NM_001082537.3); c.1546C>A, p.Pro516Thr (NM_001173975.3); c.1402C>A, p.Pro468Thr (NM_001173976.2); c.1567C>A, p.Pro523Thr (NM_001319680.2); c.1180C>A, p.Pro394Thr (NM_001319681.2); c.1672C>A, p.Pro558Thr (NM_024549.6); short protein forms P577T, P558T, P394T, P468T, P516T, P523T, P572T.
Identifiers: ClinVar variation 4983289 (VCV004983289.1).
Genomic context (GRCh38, chr12:110,647,842, plus strand): 5'-TCCACTGCGGTTACTTTTGTGGATGTGTCTGCACCTGCAGAGGCAGGCTTCAGAGCTCCA[C>A]CAGCCATCAATGCCAGGCTGCCCTTTAACTTCTTCTTCCCGTTTGTTTGACGTAAGTGAG-3'
Protein context (NP_001076007.1, residues 567-587): APAEAGFRAP[Pro577Thr]AINARLPFNF

ClinVar aggregate classification (germline): Uncertain significance (1 of 4 stars; one submission).

Conditions:
TCTN1-related disorder. Also called: TCTN1-related condition.

gnomAD v4.1: 2 of 1,614,190 alleles (0.00012%); highest among the groups gnomAD compares: Non-Finnish European, 0.00017%; no homozygotes.

Submission:

PreventionGenetics, part of Exact Sciences
Classification: Uncertain significance for TCTN1-related condition. Last evaluated: 2025-10-19. Review status: criteria provided, single submitter. Criteria: ACMG Guidelines, 2015. Collection method: clinical testing. Allele origin: germline.
Comment: The TCTN1 c.1729C>A variant is predicted to result in the amino acid substitution p.Pro577Thr. To our knowledge, this variant has not been reported in the literature. This variant is reported in 0.00088% of alleles in individuals of European (Non-Finnish) descent in gnomAD. At this time, the clinical significance of this variant is uncertain due to the absence of conclusive functional and genetic evidence.